The following is an entry in ClinVar:

ClinVar aggregate classification (germline): Pathogenic (1 of 4 stars; one submission).

Conditions:
Glycogen storage disease type III (GSD3). Also called: Cori disease; FORBES DISEASE. Identifiers: Orphanet 366, MedGen C0017922, MONDO:0009291, OMIM 232400.

Submission:

Labcorp Genetics (formerly Invitae), Labcorp
Classification: Pathogenic for Glycogen storage disease type III. Last evaluated: 2020-02-14. Review status: criteria provided, single submitter. Criteria: Invitae Variant Classification Sherloc (09022015). Collection method: clinical testing. Allele origin: germline.
Comment: For these reasons, this variant has been classified as Pathogenic. This sequence change creates a premature translational stop signal (p.Thr513*) in the AGL gene. It is expected to result in an absent or disrupted protein product. This variant is not present in population databases (ExAC no frequency). This variant has not been reported in the literature in individuals with AGL-related conditions. Loss-of-function variants in AGL are known to be pathogenic (PMID: 19299494).

Literature cited by the submitters: PubMed 19299494.

NM_000642.3(AGL):c.1537_1538del (p.Tyr512_Thr513insTer)

Gene: AGL (amylo-alpha-1,6-glucosidase and 4-alpha-glucanotransferase; plus strand). Cytogenetic location: 1p21.2.
Variant type: Microsatellite.
Coding change: c.1537_1538del on transcript NM_000642.3 (MANE Select); coding-DNA positions 1537 to 1538, 2 bases deleted (AC; older notation c.1537_1538delAC).
Protein change: p.Tyr512_Thr513insTer.
Molecular consequence: nonsense. On other transcripts: frameshift variant (10).
Genome position (GRCh38, 1-based): chr1:99,877,754-99,877,755, AC deleted; deleting any 2 consecutive bases within chr1:99,877,752-99,877,755 gives the same sequence; the c. name uses the placement nearest the transcript's 3' end. VCF-style (leftmost placement, unchanged base first): chr1-99877751-TAC-T. GRCh37 (hg19) VCF-style: chr1-100343307-TAC-T.
Other names: c.1535_1536AC[1], p.Thr513Terfs (NM_000028.3, NM_000643.3, NM_000644.3 and 2 more transcripts); c.1487_1488AC[1], p.Thr497Terfs (NM_000646.3); c.1334_1335AC[1], p.Thr446Terfs (NM_001425327.1); c.1331_1332AC[1], p.Thr445Terfs (NM_001425328.1, NM_001425329.1); c.1157_1158AC[1], p.Thr387Terfs (NM_001425332.1).
Identifiers: ClinVar variation 1068942 (VCV001068942.7), dbSNP rs2101136597, ClinGen allele CA2580611469.